The following is an entry in ClinVar:

NM_020778.5(ALPK3):c.4157T>C (p.Met1386Thr)

Gene: ALPK3 (alpha kinase 3; plus strand). Cytogenetic location: 15q25.3.
Variant type: single nucleotide variant.
Coding change: c.4157T>C on transcript NM_020778.5 (MANE Select); coding-DNA position 4157, T replaced by C.
Protein change: p.Met1386Thr; replaces methionine 1386 with threonine.
Molecular consequence: missense variant.
Genome position (GRCh38, 1-based): chr15:84,862,662, T>C. VCF-style: chr15-84862662-T-C. GRCh37 (hg19) VCF-style: chr15-85405893-T-C.
Other names: short protein forms M1386T.
Identifiers: ClinVar variation 3662837 (VCV003662837.2).

ClinVar aggregate classification (germline): Uncertain significance (1 of 4 stars; one submission).

Submission:

Labcorp Genetics (formerly Invitae), Labcorp
Classification: Uncertain significance. Last evaluated: 2024-10-09. Review status: criteria provided, single submitter. Criteria: Invitae Variant Classification Sherloc (09022015). Collection method: clinical testing. Allele origin: germline.
Comment: This sequence change replaces methionine, which is neutral and non-polar, with threonine, which is neutral and polar, at codon 1588 of the ALPK3 protein (p.Met1588Thr). This variant is not present in population databases (gnomAD no frequency). This variant has not been reported in the literature in individuals affected with ALPK3-related conditions. Invitae Evidence Modeling of protein sequence and biophysical properties (such as structural, functional, and spatial information, amino acid conservation, physicochemical variation, residue mobility, and thermodynamic stability) indicates that this missense variant is expected to disrupt ALPK3 protein function with a positive predictive value of 80%. In summary, the available evidence is currently insufficient to determine the role of this variant in disease. Therefore, it has been classified as a Variant of Uncertain Significance.